The following is an entry in ClinVar:

NM_025137.4(SPG11):c.2204A>G (p.Lys735Arg)

Gene: SPG11 (SPG11 vesicle trafficking associated, spatacsin; minus strand). Cytogenetic location: 15q21.1.
Variant type: single nucleotide variant.
Coding change: c.2204A>G on transcript NM_025137.4 (MANE Select); coding-DNA position 2204, A replaced by G.
Protein change: p.Lys735Arg; replaces lysine 735 with arginine.
Molecular consequence: missense variant.
Genome position (GRCh38, 1-based): chr15:44,626,371, T>C on the plus strand (A>G on the coding strand, the complement: SPG11 is on the minus strand). VCF-style: chr15-44626371-T-C. GRCh37 (hg19) VCF-style: chr15-44918569-T-C.
Other names: c.2204A>G, p.Lys735Arg (NM_001160227.2, NM_001411132.1); short protein forms K735R.
Identifiers: ClinVar variation 2009699 (VCV002009699.4), dbSNP rs2505581651, ClinGen allele CA392233315.
Genomic context (GRCh38, chr15:44,626,371, plus strand): 5'-TTATGGATTACACCACTCACCATATTCTTCAAAAGTTCAGAGGCTTCCTTTATATTGTTC[T>C]TTTTTAAATTGTCAAAGACCAAATTTAGGCCTATGCCAATAAGCTCCTCAAGTTTTTGAG-3'
Protein context (NP_079413.3, residues 725-745): GLNLVFDNLK[Lys735Arg]NNIKEASELL

ClinVar aggregate classification (germline): Uncertain significance (1 of 4 stars; one submission).

Conditions:
Hereditary spastic paraplegia 11. Also called: Nakamura Osame syndrome; Autosomal recessive hereditary spastic paraplegia, mental impairment, and thin corpus callosum; SPASTIC PARAPLEGIA, AUTOSOMAL RECESSIVE, COMPLICATED, WITH THIN CORPUS CALLOSUM; SPASTIC PARAPLEGIA, AUTOSOMAL RECESSIVE, WITH MENTAL IMPAIRMENT AND THIN CORPUS CALLOSUM; Spastic Paraplegia 11; Spastic paraplegia, mental retardation and thin corpus callosum. Identifiers: Orphanet 2822, MedGen C1858479, MONDO:0011445, OMIM 604360.

Allele frequency attached by ClinVar (database versions not stated): gnomAD exomes below 0.00001.
gnomAD v4.1: 1 of 1,613,488 alleles (0.000062%); highest among the groups gnomAD compares: Non-Finnish European, 0.000085%; no homozygotes.

Submission:

Labcorp Genetics (formerly Invitae), Labcorp
Classification: Uncertain significance for Hereditary spastic paraplegia 11. Last evaluated: 2022-07-03. Review status: criteria provided, single submitter. Criteria: Invitae Variant Classification Sherloc (09022015). Collection method: clinical testing. Allele origin: germline.
Comment: In summary, the available evidence is currently insufficient to determine the role of this variant in disease. Therefore, it has been classified as a Variant of Uncertain Significance. Algorithms developed to predict the effect of missense changes on protein structure and function output the following: SIFT: "Tolerated"; PolyPhen-2: "Possibly Damaging"; Align-GVGD: "Class C0". The arginine amino acid residue is found in multiple mammalian species, which suggests that this missense change does not adversely affect protein function. This variant has not been reported in the literature in individuals affected with SPG11-related conditions. This variant is not present in population databases (gnomAD no frequency). This sequence change replaces lysine, which is basic and polar, with arginine, which is basic and polar, at codon 735 of the SPG11 protein (p.Lys735Arg).